The following is an entry in ClinVar:

NM_033419.5(PGAP3):c.452dup (p.Trp152fs)

Gene: PGAP3 (post-GPI attachment to proteins phospholipase 3; minus strand). Cytogenetic location: 17q12.
Variant type: Duplication.
Coding change: c.452dup on transcript NM_033419.5 (MANE Select); coding-DNA position 452, one base duplicated (T; older notation c.452dupT).
Protein change: p.Trp152fs; shifts the reading frame from tryptophan 152.
Molecular consequence: frameshift variant. On other transcripts: intron variant (3).
Genome position (GRCh38, 1-based): chr17:39,674,660, A duplicated on the plus strand (T on the coding strand, the reverse complement: PGAP3 is on the minus strand); the first of 2 consecutive A bases (chr17:39,674,660-39,674,661); duplicating either gives the same sequence. VCF-style (leftmost placement, unchanged base first): chr17-39674659-G-GA. GRCh37 (hg19) VCF-style: chr17-37830912-G-GA.
Other names: c.299dup, p.Trp101fs (NM_001291726.2); c.452dup, p.Trp152fs (NM_001291730.2); c.433-1794dup (NM_001291733.2); c.433-606dup (NM_001291732.2, NM_001291728.2); short protein forms W101fs, W152fs.
Identifiers: ClinVar variation 1687230 (VCV001687230.7), dbSNP rs2057353122, ClinGen allele CA2573153700.

ClinVar aggregate classification (germline): Pathogenic. Review status: criteria provided, multiple submitters, no conflicts (2 of 4 stars). 3 submissions from 3 submitters: Pathogenic (3). Last evaluated 2025-02-03.

Conditions:
Hyperphosphatasia with impaired intellectual development syndrome 4. Also called: Hyperphosphatasia with intellectual disability syndrome 4; GLYCOSYLPHOSPHATIDYLINOSITOL BIOSYNTHESIS DEFECT 10. Identifiers: Orphanet 247262, MedGen C3810354, MONDO:0014318, OMIM 615716.

Submissions (3):

Labcorp Genetics (formerly Invitae), Labcorp
Classification: Pathogenic. Last evaluated: 2025-02-03. Review status: criteria provided, single submitter. Criteria: Invitae Variant Classification Sherloc (09022015). Collection method: clinical testing. Allele origin: germline.
Comment: This sequence change creates a premature translational stop signal (p.Trp152Leufs*11) in the PGAP3 gene. It is expected to result in an absent or disrupted protein product. Loss-of-function variants in PGAP3 are known to be pathogenic (PMID: 2443911, 27120253). This variant is not present in population databases (gnomAD no frequency). This variant has not been reported in the literature in individuals affected with PGAP3-related conditions. ClinVar contains an entry for this variant (Variation ID: 1687230). For these reasons, this variant has been classified as Pathogenic.

Laboratorio de Genetica e Diagnostico Molecular, Hospital Israelita Albert Einstein
Classification: Pathogenic for Hyperphosphatasia with impaired intellectual development syndrome 4. Last evaluated: 2024-12-22. Review status: criteria provided, single submitter. Criteria: ACMG Guidelines, 2015. Collection method: clinical testing. Allele origin: germline. Affected: yes.
Comment: ACMG classification criteria: PVS1 very strong, PM2 supporting, PM3 supporting

3billion
Classification: Pathogenic for Hyperphosphatasia with impaired intellectual development syndrome 4. Last evaluated: 2022-05-22. Review status: criteria provided, single submitter. Criteria: ACMG Guidelines, 2015. Collection method: clinical testing. Allele origin: germline. Affected: yes. Observed: 1 homozygote.
Comment: The variant is not observed in the gnomAD v2.1.1 dataset. Frameshift: predicted to result in a loss or disruption of normal protein function through nonsense-mediated decay (NMD) or protein truncation. Multiple pathogenic variants are reported downstream of the variant. Patient's phenotype is considered compatible with Hyperphosphatasia with mental retardation syndrome 4. Therefore, this variant is classified as pathogenic according to the recommendation of ACMG/AMP guideline.

Literature cited by the submitters: PubMed 2443911 (cited by Labcorp Genetics (formerly Invitae), Labcorp); PubMed 27120253 (cited by Labcorp Genetics (formerly Invitae), Labcorp).